The following is an entry in ClinVar:

ClinVar aggregate classification (germline): Likely benign (1 of 4 stars; one submission).

Allele frequency attached by ClinVar (database versions not stated): gnomAD exomes 0.00095; ExAC 0.00142; 1000 Genomes Project 30x 0.00312; 1000 Genomes Project 0.00319; gnomAD 0.00334; ESP Exome Variant Server 0.00375; TOPMed 0.00397.

Submission:

CeGaT Center for Human Genetics Tuebingen
Classification: Likely benign. Last evaluated: 2023-04-01. Review status: criteria provided, single submitter. Criteria: CeGaT Center For Human Genetics Tuebingen Variant Classification Criteria Version 2. Collection method: clinical testing. Allele origin: germline. Affected: yes. Observed: 2 variant alleles.
Comment: CBX2: BS2

NM_005189.3(CBX2):c.288+172del

Gene: CBX2 (chromobox 2; plus strand). Cytogenetic location: 17q25.3.
Variant type: Deletion.
Coding change: c.288+172del on transcript NM_005189.3 (MANE Select); 172 bases into the intron after coding-DNA position 288, one base deleted (T; older notation c.288+172delT).
Molecular consequence: intron variant. On other transcripts: frameshift variant (1).
Genome position (GRCh38, 1-based): chr17:79,781,973, T deleted. VCF-style (leftmost placement, unchanged base first): chr17-79781972-CT-C. GRCh37 (hg19) VCF-style: chr17-77755771-CT-C.
Other names: c.460del, p.Cys154fs (NM_032647.4); short protein forms C154fs.
Identifiers: ClinVar variation 2648389 (VCV002648389.24), dbSNP rs552892809, ClinGen allele CA8811131.